The following is an entry in ClinVar:

NM_001370259.2(MEN1):c.1351-7G>A

Gene: MEN1 (menin 1; minus strand). Cytogenetic location: 11q13.1.
Variant type: single nucleotide variant.
Coding change: c.1351-7G>A on transcript NM_001370259.2 (MANE Select); 7 bases into the intron before coding-DNA position 1351, G replaced by A.
Molecular consequence: intron variant.
Genome position (GRCh38, 1-based): chr11:64,804,823, C>T on the plus strand (G>A on the coding strand, the complement: MEN1 is on the minus strand). VCF-style: chr11-64804823-C-T. GRCh37 (hg19) VCF-style: chr11-64572295-C-T.
Other names: c.1366-7G>A (NM_130804.3, NM_130803.3, NM_000244.4 and 3 more transcripts); c.1351-7G>A (NM_130799.3, NM_001370260.2, NM_001370261.2); c.1477-7G>A (NM_001370251.2); c.1246-7G>A (NM_001370263.2, NM_001370262.2).
Identifiers: ClinVar variation 1011499 (VCV001011499.8), dbSNP rs1941572921, ClinGen allele CA1978885519.

ClinVar aggregate classification (germline): Uncertain significance (1 of 4 stars; one submission).

Conditions:
Multiple endocrine neoplasia, type 1 (MEN1). Also called: MEN I; WERMER SYNDROME; Endocrine adenomatosis multiple; MEN 1; MEA I. Identifiers: Orphanet 652, MedGen C0025267, MeSH D018761, MONDO:0007540, OMIM 131100.

Submission:

Labcorp Genetics (formerly Invitae), Labcorp
Classification: Uncertain significance for Multiple endocrine neoplasia, type 1. Last evaluated: 2020-08-18. Review status: criteria provided, single submitter. Criteria: Invitae Variant Classification Sherloc (09022015). Collection method: clinical testing. Allele origin: germline.
Comment: This sequence change falls in intron 9 of the MEN1 gene. It does not directly change the encoded amino acid sequence of the MEN1 protein. In summary, the available evidence is currently insufficient to determine the role of this variant in disease. Therefore, it has been classified as a Variant of Uncertain Significance. Algorithms developed to predict the effect of sequence changes on RNA splicing suggest that this variant may disrupt the consensus splice site, but this prediction has not been confirmed by published transcriptional studies. This variant has not been reported in the literature in individuals with MEN1-related conditions. This variant is not present in population databases (ExAC no frequency).